The following is an entry in ClinVar:

NM_014989.7(RIMS1):c.70G>A (p.Asp24Asn)

Gene: RIMS1 (regulating synaptic membrane exocytosis 1; plus strand). Cytogenetic location: 6q13.
Variant type: single nucleotide variant.
Coding change: c.70G>A on transcript NM_014989.7 (MANE Select); coding-DNA position 70, G replaced by A.
Protein change: p.Asp24Asn; replaces aspartic acid 24 with asparagine.
Molecular consequence: missense variant.
Genome position (GRCh38, 1-based): chr6:71,887,093, G>A. VCF-style: chr6-71887093-G-A. GRCh37 (hg19) VCF-style: chr6-72596796-G-A.
Other names: c.70G>A, p.Asp24Asn (NM_001350411.1, NM_001350412.1, NM_001350413.1); short protein forms D24N.
Identifiers: ClinVar variation 935889 (VCV000935889.10), dbSNP rs1767956481, ClinGen allele CA364817779.
Genomic context (GRCh38, chr6:71,887,093, plus strand): 5'-GCCGTGGGGCCCCGCGGTCCTCGCCCACCCACGGTGCCTCCCCCCATGCAAGAGCTGCCC[G>A]ACCTGAGCCACCTGACCGAAGAGGAGAGGAACATTATCATGGCAGTGATGGACCGGCAGA-3'
Protein context (NP_055804.2, residues 14-34): TVPPPMQELP[Asp24Asn]LSHLTEEERN

ClinVar aggregate classification (germline): Uncertain significance. Review status: criteria provided, multiple submitters, no conflicts (2 of 4 stars). 2 submissions from 2 submitters: Uncertain significance (2). Last evaluated 2020-02-29.

Submissions (2):

Labcorp Genetics (formerly Invitae), Labcorp
Classification: Uncertain significance. Last evaluated: 2020-02-29. Review status: criteria provided, single submitter. Criteria: Invitae Variant Classification Sherloc (09022015). Collection method: clinical testing. Allele origin: germline.
Comment: This sequence change replaces aspartic acid with asparagine at codon 24 of the RIMS1 protein (p.Asp24Asn). The aspartic acid residue is moderately conserved and there is a small physicochemical difference between aspartic acid and asparagine. This variant is not present in population databases (ExAC no frequency). In summary, the available evidence is currently insufficient to determine the role of this variant in disease. Therefore, it has been classified as a Variant of Uncertain Significance. Algorithms developed to predict the effect of missense changes on protein structure and function are either unavailable or do not agree on the potential impact of this missense change (SIFT: "Deleterious"; PolyPhen-2: "Probably Damaging"; Align-GVGD: "Class C0"). This variant has not been reported in the literature in individuals with RIMS1-related conditions.

Blueprint Genetics
Classification: Uncertain significance. Last evaluated: 2019-07-09. Review status: criteria provided, single submitter. Criteria: ACMG Guidelines, 2015. Collection method: clinical testing. Allele origin: germline.